The following is an entry in ClinVar:

ClinVar aggregate classification (germline): Uncertain significance (1 of 4 stars; one submission).

Allele frequency attached by ClinVar (database versions not stated): ExAC 0.00001.
gnomAD v4.1: 3 of 1,613,670 alleles (0.00019%); highest among the groups gnomAD compares: Non-Finnish European, 0.000085%; no homozygotes.

Submission:

Labcorp Genetics (formerly Invitae), Labcorp
Classification: Uncertain significance. Last evaluated: 2022-10-08. Review status: criteria provided, single submitter. Criteria: Invitae Variant Classification Sherloc (09022015). Collection method: clinical testing. Allele origin: germline.
Comment: In summary, the available evidence is currently insufficient to determine the role of this variant in disease. Therefore, it has been classified as a Variant of Uncertain Significance. This sequence change replaces glutamine, which is neutral and polar, with histidine, which is basic and polar, at codon 1542 of the MYH3 protein (p.Gln1542His). This variant is present in population databases (rs778304936, gnomAD 0.0009%). This variant has not been reported in the literature in individuals affected with MYH3-related conditions. Advanced modeling of protein sequence and biophysical properties (such as structural, functional, and spatial information, amino acid conservation, physicochemical variation, residue mobility, and thermodynamic stability) performed at Invitae indicates that this missense variant is not expected to disrupt MYH3 protein function.

NM_002470.4(MYH3):c.4626G>C (p.Gln1542His)

Gene: MYH3 (myosin heavy chain 3; minus strand). Cytogenetic location: 17p13.1.
Variant type: single nucleotide variant.
Coding change: c.4626G>C on transcript NM_002470.4 (MANE Select); coding-DNA position 4626, G replaced by C.
Protein change: p.Gln1542His; replaces glutamine 1542 with histidine.
Molecular consequence: missense variant.
Genome position (GRCh38, 1-based): chr17:10,633,612, C>G on the plus strand (G>C on the coding strand, the complement: MYH3 is on the minus strand). VCF-style: chr17-10633612-C-G. GRCh37 (hg19) VCF-style: chr17-10536929-C-G.
Other names: short protein forms Q1542H.
Identifiers: ClinVar variation 1962340 (VCV001962340.5), dbSNP rs778304936, ClinGen allele CA8392175.